The following is an entry in ClinVar:

NM_001142966.3(GREB1L):c.2312C>T (p.Pro771Leu)

Gene: GREB1L (GREB1 like retinoic acid receptor coactivator; plus strand). Cytogenetic location: 18q11.1.
Variant type: single nucleotide variant.
Coding change: c.2312C>T on transcript NM_001142966.3 (MANE Select); coding-DNA position 2312, C replaced by T.
Protein change: p.Pro771Leu; replaces proline 771 with leucine.
Molecular consequence: missense variant.
Genome position (GRCh38, 1-based): chr18:21,473,160, C>T. VCF-style: chr18-21473160-C-T. GRCh37 (hg19) VCF-style: chr18-19053121-C-T.
Other names: short protein forms P771L.
Identifiers: ClinVar variation 917905 (VCV000917905.1), dbSNP rs1434821638, ClinGen allele CA401740007.

ClinVar aggregate classification (germline): Uncertain significance (1 of 4 stars; one submission).

Conditions:
Renal hypodysplasia/aplasia 3 (RHDA3). Identifiers: MedGen C4540497, MONDO:0024520, OMIM 617805.
Mayer-Rokitansky-Kuster-Hauser syndrome (CAUV). Also called: CONGENITAL ABSENCE OF UTERUS AND VAGINA; MULLERIAN APLASIA/DYSGENESIS; Mayer-Rokitansky-Küster-Hauser syndrome; Rokitansky sequence. Identifiers: Orphanet 247775, Orphanet 3109, MedGen C0431648, MONDO:0017771.

Allele frequency attached by ClinVar (database versions not stated): gnomAD exomes below 0.00001; gnomAD 0.00001.
gnomAD v4.1: 2 of 1,549,174 alleles (0.00013%); highest among the groups gnomAD compares: Non-Finnish European, 0.00017%; no homozygotes.

Submission:

Human Genetic Laboratory, University of Liege
Classification: Uncertain significance for Renal hypodysplasia/aplasia 3; Mayer Rokitansky Kuster Hauser syndrome type 1. Last evaluated: 2020-02-20. Review status: criteria provided, single submitter. Criteria: ACMG Guidelines, 2015. Collection method: research. Allele origin: inherited, unknown. Inheritance: Autosomal dominant inheritance. Affected: yes and no. Observed: 2 heterozygotes. Clinical features observed: Unilateral renal agenesis (HP:0000122), Multicystic kidney dysplasia (HP:0000003), Aplasia/hypoplasia of the uterus (HP:0008684), Aplasia/Hypoplasia of the vagina (HP:0011026), Streak ovary (HP:0010464), Cervical hemivertebrae (HP:0025481).
Comment: The variant is in a gene (GREB1L) previously associated with renal and uterine malformations in human. The variant affects a highly conserved amino acid and nucleotide and multiple in silico tools predict a deleterious effect on the protein function. This missense variant is present in a very low frequency in Gnomad (MAF : 0.00003187).